The following is an entry in ClinVar:

ClinVar aggregate classification (germline): Benign/Likely benign. Review status: criteria provided, multiple submitters, no conflicts (2 of 4 stars). 3 submissions from 3 submitters: Benign (1); Likely benign (2). Last evaluated 2026-02-03.

Conditions:
Tuberous sclerosis 2 (TSC2). Identifiers: Orphanet 805, MedGen C1860707, MONDO:0013199, OMIM 613254.

gnomAD v4.1: 7 of 1,612,722 alleles (0.00043%); highest among the groups gnomAD compares: Middle Eastern, 0.017%; no homozygotes.

Submissions (3):

Labcorp Genetics (formerly Invitae), Labcorp
Classification: Likely benign for Tuberous sclerosis 2. Last evaluated: 2026-02-03. Review status: criteria provided, single submitter. Criteria: Invitae Variant Classification Sherloc (09022015). Collection method: clinical testing. Allele origin: germline.

Women's Health and Genetics/Laboratory Corporation of America, LabCorp
Classification: Likely benign. Last evaluated: 2024-12-18. Review status: criteria provided, single submitter. Criteria: LabCorp Variant Classification Summary - May 2015. Collection method: clinical testing. Allele origin: germline.

GeneDx
Classification: Benign. Last evaluated: 2013-08-18. Review status: criteria provided, single submitter. Criteria: GeneDx Variant Classification (06012015). Collection method: clinical testing. Allele origin: germline. Affected: yes.
Comment: This variant is considered likely benign or benign based on one or more of the following criteria: it is a conservative change, it occurs at a poorly conserved position in the protein, it is predicted to be benign by multiple in silico algorithms, and/or has population frequency not consistent with disease.

NM_000548.5(TSC2):c.1839+20G>C

Gene: TSC2 (TSC complex subunit 2; plus strand). Cytogenetic location: 16p13.3.
Variant type: single nucleotide variant.
Coding change: c.1839+20G>C on transcript NM_000548.5 (MANE Select); 20 bases into the intron after coding-DNA position 1839, G replaced by C.
Molecular consequence: intron variant.
Genome position (GRCh38, 1-based): chr16:2,070,598, G>C. VCF-style: chr16-2070598-G-C. GRCh37 (hg19) VCF-style: chr16-2120599-G-C.
Other names: c.1839+20G>C (NM_001114382.3, NM_021055.3, NM_001370405.1 and 3 more transcripts); c.1728+20G>C (NM_001318827.2); c.1239+20G>C (NM_001318831.2); c.1692+20G>C (NM_001318829.2); c.1872+20G>C (NM_001318832.2).
Identifiers: ClinVar variation 207664 (VCV000207664.9), dbSNP rs569912958, ClinGen allele CA033825.